The following is an entry in ClinVar:

ClinVar aggregate classification (germline): Uncertain significance (1 of 4 stars; one submission).

gnomAD v4.1: 23 of 1,612,694 alleles (0.0014%); highest among the groups gnomAD compares: Non-Finnish European, 0.0019%; no homozygotes.

Submission:

Labcorp Genetics (formerly Invitae), Labcorp
Classification: Uncertain significance. Last evaluated: 2024-11-06. Review status: criteria provided, single submitter. Criteria: Invitae Variant Classification Sherloc (09022015). Collection method: clinical testing. Allele origin: germline.
Comment: This sequence change replaces arginine, which is basic and polar, with histidine, which is basic and polar, at codon 1977 of the DSCAML1 protein (p.Arg1977His). This variant is present in population databases (rs139063739, gnomAD 0.002%). This variant has not been reported in the literature in individuals affected with DSCAML1-related conditions. An algorithm developed to predict the effect of missense changes on protein structure and function outputs the following: PolyPhen-2: "Benign". The histidine amino acid residue is found in multiple mammalian species, which suggests that this missense change does not adversely affect protein function. In summary, the available evidence is currently insufficient to determine the role of this variant in disease. Therefore, it has been classified as a Variant of Uncertain Significance.

NM_020693.4(DSCAML1):c.5750G>A (p.Arg1917His)

Gene: DSCAML1 (DS cell adhesion molecule like 1; minus strand). Cytogenetic location: 11q23.3.
Variant type: single nucleotide variant.
Coding change: c.5750G>A on transcript NM_020693.4 (MANE Select); coding-DNA position 5750, G replaced by A.
Protein change: p.Arg1917His; replaces arginine 1917 with histidine.
Molecular consequence: missense variant.
Genome position (GRCh38, 1-based): chr11:117,428,740, C>T on the plus strand (G>A on the coding strand, the complement: DSCAML1 is on the minus strand). VCF-style: chr11-117428740-C-T. GRCh37 (hg19) VCF-style: chr11-117299456-C-T.
Other names: short protein forms R1917H.
Identifiers: ClinVar variation 3607175 (VCV003607175.2).